The following is an entry in ClinVar:

NM_016955.4(SEPSECS):c.172C>T (p.Leu58Phe)

Gene: SEPSECS (Sep (O-phosphoserine) tRNA:Sec (selenocysteine) tRNA synthase; minus strand). Cytogenetic location: 4p15.2.
Variant type: single nucleotide variant.
Coding change: c.172C>T on transcript NM_016955.4 (MANE Select); coding-DNA position 172, C replaced by T.
Protein change: p.Leu58Phe; replaces leucine 58 with phenylalanine.
Molecular consequence: missense variant.
Genome position (GRCh38, 1-based): chr4:25,159,050, G>A on the plus strand (C>T on the coding strand, the complement: SEPSECS is on the minus strand). VCF-style: chr4-25159050-G-A. GRCh37 (hg19) VCF-style: chr4-25160672-G-A.
Other names: c.427C>T, p.Leu143Phe (NM_001410714.1); c.172C>T, p.Leu58Phe (NM_153825.2); short protein forms L143F, L58F.
Identifiers: ClinVar variation 2632868 (VCV002632868.1), dbSNP rs2474687634, ClinGen allele CA356543442.

ClinVar aggregate classification (germline): Uncertain significance (1 of 4 stars; one submission).

Conditions:
SEPSECS-related disorder. Also called: SEPSECS-related condition.

Submission:

PreventionGenetics, part of Exact Sciences
Classification: Uncertain significance for SEPSECS-related condition. Last evaluated: 2023-04-25. Review status: criteria provided, single submitter. Criteria: ACMG Guidelines, 2015. Collection method: clinical testing. Allele origin: germline.
Comment: The SEPSECS c.172C>T variant is predicted to result in the amino acid substitution p.Leu58Phe. To our knowledge, this variant has not been reported in the literature or in a large population database, indicating this variant is rare. At this time, the clinical significance of this variant is uncertain due to the absence of conclusive functional and genetic evidence.